The following is an entry in ClinVar:

NM_017763.6(RNF43):c.2309-1G>C

Gene: RNF43 (ring finger protein 43; minus strand). Cytogenetic location: 17q22.
Variant type: single nucleotide variant.
Coding change: c.2309-1G>C on transcript NM_017763.6 (MANE Select); the canonical splice acceptor site of the intron before coding-DNA position 2309, G replaced by C.
Molecular consequence: splice acceptor variant.
Genome position (GRCh38, 1-based): chr17:58,354,987, C>G on the plus strand (G>C on the coding strand, the complement: RNF43 is on the minus strand). VCF-style: chr17-58354987-C-G. GRCh37 (hg19) VCF-style: chr17-56432348-C-G.
Other names: c.2309-1G>C (NM_001438822.1, NM_001305544.3); c.1928-1G>C (NM_001305545.2).
Identifiers: ClinVar variation 3723704 (VCV003723704.2).

ClinVar aggregate classification (germline): Uncertain significance (1 of 4 stars; one submission).

Submission:

Labcorp Genetics (formerly Invitae), Labcorp
Classification: Uncertain significance. Last evaluated: 2024-10-24. Review status: criteria provided, single submitter. Criteria: Invitae Variant Classification Sherloc (09022015). Collection method: clinical testing. Allele origin: germline.
Comment: This sequence change falls in intron 9 of the RNF43 gene. It does not directly change the encoded amino acid sequence of the RNF43 protein. It affects a nucleotide within the consensus splice site. This variant is not present in population databases (gnomAD no frequency). This variant has not been reported in the literature in individuals affected with RNF43-related conditions. Variants that disrupt the consensus splice site are a relatively common cause of aberrant splicing (PMID: 17576681, 9536098). Algorithms developed to predict the effect of sequence changes on RNA splicing suggest that this variant may disrupt the consensus splice site. In summary, the available evidence is currently insufficient to determine the role of this variant in disease. Therefore, it has been classified as a Variant of Uncertain Significance.

Literature cited by the submitters: PubMed 17576681; PubMed 9536098.